The following is an entry in ClinVar:

NM_001845.6(COL4A1):c.236G>T (p.Gly79Val)

Gene: COL4A1 (collagen type IV alpha 1 chain; minus strand). Cytogenetic location: 13q34.
Variant type: single nucleotide variant.
Coding change: c.236G>T on transcript NM_001845.6 (MANE Select); coding-DNA position 236, G replaced by T.
Protein change: p.Gly79Val; replaces glycine 79 with valine.
Molecular consequence: missense variant.
Genome position (GRCh38, 1-based): chr13:110,213,825, C>A on the plus strand (G>T on the coding strand, the complement: COL4A1 is on the minus strand). VCF-style: chr13-110213825-C-A. GRCh37 (hg19) VCF-style: chr13-110866172-C-A.
Other names: c.236G>T, p.Gly79Val (NM_001303110.2); c.236G>T (NM_001845.4); short protein forms G79V.
Identifiers: ClinVar variation 4293964 (VCV004293964.2).

ClinVar aggregate classification (germline): Uncertain significance. Review status: criteria provided, multiple submitters, no conflicts (2 of 4 stars). 2 submissions from 2 submitters: Uncertain significance (2). Last evaluated 2025-08-06.

Conditions:
COL4A1-related disorder. Also called: COL4A1-related condition; COL4A1-related disorders. Identifiers: MedGen CN376119, MONDO:0800461.

Submissions (2):

GeneDx
Classification: Uncertain significance. Last evaluated: 2025-08-06. Review status: criteria provided, single submitter. Criteria: GeneDx Variant Classification Process June 2021. Collection method: clinical testing. Allele origin: germline. Affected: yes.
Comment: Not observed at significant frequency in large population cohorts (gnomAD); In silico analysis supports that this missense variant has a deleterious effect on protein structure/function; De novo variant with confirmed parentage in published literature; however, the reported clinical features are only partially consistent with the features typically observed in individuals with pathogenic variants in this gene (PMID: 36549658); This variant is associated with the following publications: (PMID: 36549658, 34059960)

3billion
Classification: Uncertain significance for COL4A1-related disorder. Last evaluated: 2024-10-16. Review status: criteria provided, single submitter. Criteria: ACMG Guidelines, 2015. Collection method: clinical testing. Allele origin: germline. Affected: yes.
Comment: The variant is not observed in the gnomAD v4.1.0 dataset. Predicted Consequence/Location: Missense variant. Missense changes are a common disease-causing mechanism. In silico tool predictions suggest damaging effect of the variant on gene or gene product [REVEL: 0.95 (>=0.6, sensitivity 0.68 and specificity 0.92); 3Cnet: 0.93 (>=0.6, sensitivity 0.72 and precision 0.9)]. The same nucleotide change resulting in the same amino acid change has been previously reported as a VUS for a different phenotype (PMID: 34059960). Therefore, this variant is classified as VUS according to the recommendation of ACMG/AMP guideline.

Literature cited by the submitters: PubMed 34059960 (cited by 3billion).